The following is an entry in ClinVar:

ClinVar aggregate classification (germline): Uncertain significance. Review status: criteria provided, multiple submitters, no conflicts (2 of 4 stars). 3 submissions from 3 submitters: Uncertain significance (3). Last evaluated 2024-12-05.

Allele frequency attached by ClinVar (database versions not stated): gnomAD exomes below 0.00001 and 0.00001; gnomAD 0.00001; TOPMed 0.00003.
gnomAD v4.1: 21 of 1,613,556 alleles (0.0013%); highest among the groups gnomAD compares: South Asian, 0.0033%; no homozygotes.

Submissions (3):

Women's Health and Genetics/Laboratory Corporation of America, LabCorp
Classification: Uncertain significance. Last evaluated: 2024-12-05. Review status: criteria provided, single submitter. Criteria: LabCorp Variant Classification Summary - May 2015. Collection method: clinical testing. Allele origin: germline.
Comment: Variant summary: ABCA4 c.418C>T (p.Arg140Trp) results in a non-conservative amino acid change in the encoded protein sequence. Five of five in-silico tools predict a damaging effect of the variant on protein function. The variant allele was found at a frequency of 4e-06 in 251466 control chromosomes. The available data on variant occurrences in the general population are insufficient to allow any conclusion about variant significance. c.418C>T has been reported in the literature at least once in a cohort of individuals with phenotypes consistent with ABCA4-associated retinopathy, but further genotype information was not provided (Corradi_2023). This report does not provide unequivocal conclusions about association of the variant with Retinitis Pigmentosa or Stargardt Disease. To our knowledge, no experimental evidence demonstrating an impact on protein function has been reported. The following publication has been ascertained in the context of this evaluation (PMID: 37705246). ClinVar contains an entry for this variant (Variation ID: 1059336). Based on the evidence outlined above, the variant was classified as uncertain significance.

Labcorp Genetics (formerly Invitae), Labcorp
Classification: Uncertain significance. Last evaluated: 2022-08-23. Review status: criteria provided, single submitter. Criteria: Invitae Variant Classification Sherloc (09022015). Collection method: clinical testing. Allele origin: germline.
Comment: This sequence change replaces arginine, which is basic and polar, with tryptophan, which is neutral and slightly polar, at codon 140 of the ABCA4 protein (p.Arg140Trp). This variant is present in population databases (no rsID available, gnomAD 0.003%). This variant has not been reported in the literature in individuals affected with ABCA4-related conditions. ClinVar contains an entry for this variant (Variation ID: 1059336). Algorithms developed to predict the effect of missense changes on protein structure and function (SIFT, PolyPhen-2, Align-GVGD) all suggest that this variant is likely to be disruptive. In summary, the available evidence is currently insufficient to determine the role of this variant in disease. Therefore, it has been classified as a Variant of Uncertain Significance.

Blueprint Genetics
Classification: Uncertain significance. Last evaluated: 2019-09-05. Review status: criteria provided, single submitter. Criteria: ACMG Guidelines, 2015. Collection method: clinical testing. Allele origin: germline.

Literature cited by the submitters: PubMed 37705246 (cited by Women's Health and Genetics/Laboratory Corporation of America, LabCorp).

NM_000350.3(ABCA4):c.418C>T (p.Arg140Trp)

Gene: ABCA4 (ATP binding cassette subfamily A member 4; minus strand). Cytogenetic location: 1p22.1.
Variant type: single nucleotide variant.
Coding change: c.418C>T on transcript NM_000350.3 (MANE Select); coding-DNA position 418, C replaced by T.
Protein change: p.Arg140Trp; replaces arginine 140 with tryptophan.
Molecular consequence: missense variant.
Genome position (GRCh38, 1-based): chr1:94,108,601, G>A on the plus strand (C>T on the coding strand, the complement: ABCA4 is on the minus strand). VCF-style: chr1-94108601-G-A. GRCh37 (hg19) VCF-style: chr1-94574157-G-A.
Other names: c.418C>T, p.Arg140Trp (NM_001425324.1); short protein forms R140W.
Identifiers: ClinVar variation 1059336 (VCV001059336.9), dbSNP rs1173809441, ClinGen allele CA341292998.